The following is an entry in ClinVar:

NC_000017.10:g.(?_41258453)_(41258570_?)dup

Gene: BRCA1 (BRCA1 DNA repair associated; minus strand). Cytogenetic location: 17q21.31.
Variant type: Duplication.
Identifiers: ClinVar variation 1440719 (VCV001440719.9).

ClinVar aggregate classification (germline): Uncertain significance (1 of 4 stars; one submission).

Conditions:
Hereditary breast ovarian cancer syndrome. Also called: Hereditary breast and ovarian cancer; Hereditary breast and ovarian cancer syndrome; Breast and ovarian cancer; BRCA1- and BRCA2-Associated Hereditary Breast and Ovarian Cancer; Hereditary breast and/or ovarian cancer syndrome; Hereditary breast and ovarian cancer syndrome (HBOC). Identifiers: Orphanet 145, MedGen C0677776, MeSH D061325, MONDO:0003582. Disease mechanism: loss of function.

Submission:

Labcorp Genetics (formerly Invitae), Labcorp
Classification: Uncertain significance for Hereditary breast ovarian cancer syndrome. Last evaluated: 2020-12-15. Review status: criteria provided, single submitter. Criteria: Invitae Variant Classification Sherloc (09022015). Collection method: clinical testing. Allele origin: germline.
Comment: This variant is a gross duplication of the genomic region encompassing exon 4 of the BRCA1 gene. While the exact position of the duplicated exon cannot be determined from this data, the duplicated copy of this region is likely in tandem and in-frame, therefore preserving the integrity of the reading frame. In summary, the available evidence is currently insufficient to determine the role of this variant in disease. Therefore, it has been classified as a Variant of Uncertain Significance. Experimental studies and prediction algorithms are not available for this variant, and the functional significance of this duplication is currently unknown. While this particular gross triplication has not been reported in the literature, exon-level duplications in BRCA1 have been reported in individuals affected with hereditary breast/ovarian cancer (PMID: 15475941, 21327469).

Literature cited by the submitters: PubMed 15475941; PubMed 21327469.